The following is an entry in ClinVar:

ClinVar aggregate classification (germline): Pathogenic/Likely pathogenic. Review status: criteria provided, multiple submitters, no conflicts (2 of 4 stars). 2 submissions from 2 submitters: Pathogenic (1); Likely pathogenic (1). Last evaluated 2021-12-09.

Conditions:
Early-infantile DEE. Also called: Early infantile epileptic encephalopathy; Ohtahara syndrome; Early infantile epileptic encephalopathy with suppression bursts. Identifiers: Orphanet 1934, MedGen C0393706, MONDO:0800491.

Submissions (2):

Labcorp Genetics (formerly Invitae), Labcorp
Classification: Pathogenic for Early-infantile DEE. Last evaluated: 2021-12-09. Review status: criteria provided, single submitter. Criteria: Invitae Variant Classification Sherloc (09022015). Collection method: clinical testing. Allele origin: germline.
Comment: For these reasons, this variant has been classified as Pathogenic. Advanced modeling of protein sequence and biophysical properties (such as structural, functional, and spatial information, amino acid conservation, physicochemical variation, residue mobility, and thermodynamic stability) performed at Invitae indicates that this missense variant is expected to disrupt SCN1A protein function. ClinVar contains an entry for this variant (Variation ID: 430088). This missense change has been observed in individual(s) with SCN1A-related conditions (PMID: 21248271, 23195492). In at least one individual the variant was observed to be de novo. This variant is not present in population databases (gnomAD no frequency). This sequence change replaces leucine, which is neutral and non-polar, with proline, which is neutral and non-polar, at codon 1667 of the SCN1A protein (p.Leu1667Pro).

GeneDx
Classification: Likely pathogenic. Last evaluated: 2015-11-13. Review status: criteria provided, single submitter. Criteria: GeneDx Variant Classification (06012015). Collection method: clinical testing. Allele origin: germline. Affected: yes.
Comment: The L1667P variant has been previously reported as a de novo variant in a patient with classic Dravet syndrome (Zuberi et al., 2011). It was subsequently reported as a de novo variant in a patient with severe myoclonic epilepsy of infancy (Wang et al., 2012). It was not observed in approximately 6,500 individuals of European and African American ancestry in the NHLBI Exome Sequencing Project, indicating it is not a common benign variant in these populations. The L1667P variant is a semi-conservative amino acid substitution, which may impact secondary protein structure as these residues differ in some properties. This substitution occurs at a conserved position in the predicted cytoplasmic domain between the S4 and S5 transmembrane segments of the fourth homologous domain. In silico analysis predicts this variant is probably damaging to the protein structure/function. Missense variants in nearby residues have been reported in the Human Gene Mutation Database in association with SCN1A-related disorders (Stenson et al., 2014), supporting the functional importance of this region of the protein. Therefore, this variant is likely pathogenic; however, the possibility that it is benign cannot be excluded

Literature cited by the submitters: PubMed 21248271 (cited by Labcorp Genetics (formerly Invitae), Labcorp); PubMed 23195492 (cited by Labcorp Genetics (formerly Invitae), Labcorp).

NM_001165963.4(SCN1A):c.5000T>C (p.Leu1667Pro)

Genes: SCN1A (sodium voltage-gated channel alpha subunit 1; minus strand), LOC102724058 (uncharacterized LOC102724058; plus strand). Cytogenetic location: 2q24.3.
Variant type: single nucleotide variant.
Coding change: c.5000T>C on transcript NM_001165963.4 (MANE Select); coding-DNA position 5000, T replaced by C.
Protein change: p.Leu1667Pro; replaces leucine 1667 with proline.
Molecular consequence: missense variant. On other transcripts: non-coding transcript variant (1).
Genome position (GRCh38, 1-based): chr2:165,992,275, A>G on the plus strand (T>C on the coding strand, the complement: SCN1A is on the minus strand). VCF-style: chr2-165992275-A-G. GRCh37 (hg19) VCF-style: chr2-166848785-A-G.
Other names: c.4916T>C, p.Leu1639Pro (NM_001165964.3, NM_001353957.2, NM_001353958.2); c.5000T>C, p.Leu1667Pro (NM_001202435.3, NM_001353948.2); c.4967T>C, p.Leu1656Pro (NM_001353949.2, NM_001353950.2, NM_001353951.2 and 2 more transcripts); c.4964T>C, p.Leu1655Pro (NM_001353954.2, NM_001353955.2); c.4913T>C, p.Leu1638Pro (NM_001353960.2); c.2558T>C, p.Leu853Pro (NM_001353961.2); short protein forms L1656P, L1667P, L1638P, L1655P, L1639P, L853P.
Identifiers: ClinVar variation 430088 (VCV000430088.6), dbSNP rs1131691774, ClinGen allele CA349069782.